The following is an entry in ClinVar:

NM_001142800.2(EYS):c.3959A>G (p.Glu1320Gly)

Gene: EYS (EGF-like photoreceptor maintenance factor; minus strand). Cytogenetic location: 6q12.
Variant type: single nucleotide variant.
Coding change: c.3959A>G on transcript NM_001142800.2 (MANE Select); coding-DNA position 3959, A replaced by G.
Protein change: p.Glu1320Gly; replaces glutamic acid 1320 with glycine.
Molecular consequence: missense variant.
Genome position (GRCh38, 1-based): chr6:64,591,908, T>C on the plus strand (A>G on the coding strand, the complement: EYS is on the minus strand). VCF-style: chr6-64591908-T-C. GRCh37 (hg19) VCF-style: chr6-65301801-T-C.
Other names: c.3959A>G, p.Glu1320Gly (NM_001292009.2); short protein forms E1320G.
Identifiers: ClinVar variation 1959598 (VCV001959598.5), dbSNP rs1766424655, ClinGen allele CA364784346.

ClinVar aggregate classification (germline): Uncertain significance (1 of 4 stars; one submission).

Allele frequency attached by ClinVar (database versions not stated): TOPMed below 0.00001; gnomAD 0.00001.
gnomAD v4.1: 1 of 1,548,768 alleles (0.000065%); no homozygotes.

Submission:

Labcorp Genetics (formerly Invitae), Labcorp
Classification: Uncertain significance. Last evaluated: 2022-04-30. Review status: criteria provided, single submitter. Criteria: Invitae Variant Classification Sherloc (09022015). Collection method: clinical testing. Allele origin: germline.
Comment: This sequence change replaces glutamic acid, which is acidic and polar, with glycine, which is neutral and non-polar, at codon 1320 of the EYS protein (p.Glu1320Gly). This variant is not present in population databases (gnomAD no frequency). This variant has not been reported in the literature in individuals affected with EYS-related conditions. Algorithms developed to predict the effect of missense changes on protein structure and function are either unavailable or do not agree on the potential impact of this missense change (SIFT: "Deleterious"; PolyPhen-2: "Probably Damaging"; Align-GVGD: "Class C0"). In summary, the available evidence is currently insufficient to determine the role of this variant in disease. Therefore, it has been classified as a Variant of Uncertain Significance.